The following is an entry in ClinVar:

ClinVar aggregate classification (germline): Uncertain significance (1 of 4 stars; one submission).

Submission:

Labcorp Genetics (formerly Invitae), Labcorp
Classification: Uncertain significance. Last evaluated: 2019-11-15. Review status: criteria provided, single submitter. Criteria: Invitae Variant Classification Sherloc (09022015). Collection method: clinical testing. Allele origin: germline.
Comment: Experimental studies and prediction algorithms are not available or were not evaluated, and the functional significance of this variant is currently unknown. In summary, the available evidence is currently insufficient to determine the role of this variant in disease. Therefore, it has been classified as a Variant of Uncertain Significance. This variant has been observed in individual(s) with hypophosphatemic rickets (Invitae). This variant results in a copy number gain of the genomic region encompassing exons 12-13 of the PHEX gene. While the exact position of this variant cannot be determined from this data, sub-genic copy number gains are generally in tandem (PMID: 25640679). This variant would be expected to be in-frame, preserving the integrity of the reading frame.

Literature cited by the submitters: PubMed 25640679.

NC_000023.11:g.(?_22133523)_(22168389_?)dup

Gene: PHEX (phosphate regulating endopeptidase X-linked; plus strand). Cytogenetic location: Xp22.11.
Variant type: Duplication.
Identifiers: ClinVar variation 832218 (VCV000832218.8).